The following is an entry in ClinVar:

ClinVar aggregate classification (germline): Uncertain significance. Review status: criteria provided, multiple submitters, no conflicts (2 of 4 stars). 2 submissions from 2 submitters: Uncertain significance (2). Last evaluated 2026-06-16.

Conditions:
Autosomal recessive limb-girdle muscular dystrophy type 2J (LGMDR10). Also called: Limb-girdle muscular dystrophy, type 2J; MUSCULAR DYSTROPHY, LIMB-GIRDLE, AUTOSOMAL RECESSIVE 10. Identifiers: Orphanet 140922, MedGen C1837342, MONDO:0012127, OMIM 608807.
Dilated cardiomyopathy 1G (CMD1G). Identifiers: Orphanet 154, MedGen C1858763, MONDO:0011400, OMIM 604145.

Allele frequency attached by ClinVar (database versions not stated): gnomAD exomes 0.00001.
gnomAD v4.1: 11 of 1,613,794 alleles (0.00068%); highest among the groups gnomAD compares: Non-Finnish European, 0.00093%; no homozygotes.

Submissions (2):

Women's Health and Genetics/Laboratory Corporation of America, LabCorp
Classification: Uncertain significance. Last evaluated: 2026-06-16. Review status: criteria provided, single submitter. Criteria: LabCorp Variant Classification Summary - May 2015. Collection method: clinical testing. Allele origin: germline.

Labcorp Genetics (formerly Invitae), Labcorp
Classification: Uncertain significance for Dilated cardiomyopathy 1G; Autosomal recessive limb-girdle muscular dystrophy type 2J. Last evaluated: 2024-06-19. Review status: criteria provided, single submitter. Criteria: Invitae Variant Classification Sherloc (09022015). Collection method: clinical testing. Allele origin: germline.
Comment: This sequence change replaces arginine, which is basic and polar, with serine, which is neutral and polar, at codon 33871 of the TTN protein (p.Arg33871Ser). This variant is not present in population databases (gnomAD no frequency). This variant has not been reported in the literature in individuals affected with TTN-related conditions. ClinVar contains an entry for this variant (Variation ID: 2175688). Experimental studies and prediction algorithms are not available or were not evaluated, and the functional significance of this variant is currently unknown. This variant is located in the M band of TTN (PMID: 25589632). Non-truncating variants in this region may be relevant for neuromuscular disorders, but have not been definitively shown to cause cardiomyopathy (PMID: 23975875). In summary, the available evidence is currently insufficient to determine the role of this variant in disease. Therefore, it has been classified as a Variant of Uncertain Significance.

Literature cited by the submitters: PubMed 25589632 (cited by Labcorp Genetics (formerly Invitae), Labcorp); PubMed 23975875 (cited by Labcorp Genetics (formerly Invitae), Labcorp).

NM_001267550.2(TTN):c.101613G>T (p.Arg33871Ser)

Genes: TTN (titin; minus strand), TTN-AS1 (TTN antisense RNA 1; plus strand). Cytogenetic location: 2q31.2.
Variant type: single nucleotide variant.
Coding change: c.101613G>T on transcript NM_001267550.2 (MANE Select); coding-DNA position 101613, G replaced by T.
Protein change: p.Arg33871Ser; replaces arginine 33871 with serine.
Molecular consequence: missense variant.
Genome position (GRCh38, 1-based): chr2:178,535,002, C>A on the plus strand (G>T on the coding strand, the complement: TTN is on the minus strand). VCF-style: chr2-178535002-C-A. GRCh37 (hg19) VCF-style: chr2-179399729-C-A.
Other names: c.96690G>T, p.Arg32230Ser (NM_001256850.1); c.74418G>T, p.Arg24806Ser (NM_003319.4); c.93909G>T, p.Arg31303Ser (NM_133378.4); c.74793G>T, p.Arg24931Ser (NM_133432.3); c.74994G>T, p.Arg24998Ser (NM_133437.4); short protein forms R24931S, R24998S, R31303S, R33871S, R24806S, R32230S.
Identifiers: ClinVar variation 2175688 (VCV002175688.5), dbSNP rs797046068, ClinGen allele CA349420218.
Genomic context (GRCh38, chr2:178,535,002, plus strand): 5'-GATCATAACTAATTCTTCCATGCTTTCAAATGATTCATGGAGGTGTAAGATGTTTCTATG[C>A]CTAGCAATATTCAGAATGGAAATTTCCTTCTTTACCAAAACCTGATCAGTCCCTTTGACT-3'
Protein context (NP_001254479.2, residues 33861-33881): KKEISILNIA[Arg33871Ser]HRNILHLHES